The following is an entry in ClinVar:

NM_139318.5(KCNH5):c.205T>C (p.Tyr69His)

Gene: KCNH5 (potassium voltage-gated channel subfamily H member 5; minus strand). Cytogenetic location: 14q23.2.
Variant type: single nucleotide variant.
Coding change: c.205T>C on transcript NM_139318.5 (MANE Select); coding-DNA position 205, T replaced by C.
Protein change: p.Tyr69His; replaces tyrosine 69 with histidine.
Molecular consequence: missense variant.
Genome position (GRCh38, 1-based): chr14:63,006,465, A>G on the plus strand (T>C on the coding strand, the complement: KCNH5 is on the minus strand). VCF-style: chr14-63006465-A-G. GRCh37 (hg19) VCF-style: chr14-63473183-A-G.
Other names: c.205T>C, p.Tyr69His (NM_172375.3); short protein forms Y69H.
Identifiers: ClinVar variation 2195822 (VCV002195822.4), dbSNP rs770541761, ClinGen allele CA7217720.
Genomic context (GRCh38, chr14:63,006,465, plus strand): 5'-CGTAGTTGTCAAAAGTTTGCCTGACTTTCTCAATGGTCTTCTTGTCAGTCAATTCCCCAT[A>G]CATAAAACTGGGGGGGAAAAAAAACAAACAATCGATTTCACTTTTGTGTTGCCTTTCAAA-3'
Protein context (NP_647479.2, residues 59-79): MQKSSTCSFM[Tyr69His]GELTDKKTIE

ClinVar aggregate classification (germline): Uncertain significance (1 of 4 stars; one submission).

Conditions:
Early-infantile DEE. Also called: Early infantile epileptic encephalopathy; Ohtahara syndrome; Early infantile epileptic encephalopathy with suppression bursts. Identifiers: Orphanet 1934, MedGen C0393706, MONDO:0800491.

Allele frequency attached by ClinVar (database versions not stated): gnomAD exomes below 0.00001; ExAC 0.00001; gnomAD 0.00003; TOPMed 0.00003.
gnomAD v4.1: 9 of 1,591,916 alleles (0.00057%); highest among the groups gnomAD compares: African/African-American, 0.0013%; no homozygotes.

Submission:

Labcorp Genetics (formerly Invitae), Labcorp
Classification: Uncertain significance for Early-infantile DEE. Last evaluated: 2024-10-31. Review status: criteria provided, single submitter. Criteria: Invitae Variant Classification Sherloc (09022015). Collection method: clinical testing. Allele origin: germline.
Comment: This sequence change replaces tyrosine, which is neutral and polar, with histidine, which is basic and polar, at codon 69 of the KCNH5 protein (p.Tyr69His). This variant is present in population databases (rs770541761, gnomAD 0.004%). This variant has not been reported in the literature in individuals affected with KCNH5-related conditions. ClinVar contains an entry for this variant (Variation ID: 2195822). Invitae Evidence Modeling of protein sequence and biophysical properties (such as structural, functional, and spatial information, amino acid conservation, physicochemical variation, residue mobility, and thermodynamic stability) indicates that this missense variant is not expected to disrupt KCNH5 protein function with a negative predictive value of 80%. In summary, the available evidence is currently insufficient to determine the role of this variant in disease. Therefore, it has been classified as a Variant of Uncertain Significance.